The following is an entry in ClinVar:

ClinVar aggregate classification (germline): Uncertain significance. Review status: criteria provided, multiple submitters, no conflicts (2 of 4 stars). 2 submissions from 2 submitters: Uncertain significance (2). Last evaluated 2025-03-12.

Conditions:
MKKS-related disorder. Also called: MKKS-related condition; MKKS-related disorders.
Bardet-Biedl syndrome (BBS). Identifiers: Orphanet 110, MedGen C0752166, MONDO:0015229.
McKusick-Kaufman syndrome (MKKS). Also called: HYDROMETROCOLPOS SYNDROME; HYDROMETROCOLPOS, POSTAXIAL POLYDACTYLY, AND CONGENITAL HEART MALFORMATION. Identifiers: Orphanet 2473, MedGen C0948368, MONDO:0009367, OMIM 236700.

Allele frequency attached by ClinVar (database versions not stated): gnomAD exomes below 0.00001; ExAC 0.00001; gnomAD 0.00001; TOPMed 0.00002.
gnomAD v4.1: 1 of 1,614,014 alleles (0.000062%); highest among the groups gnomAD compares: African/African-American, 0.0013%; no homozygotes.

Submissions (2):

PreventionGenetics, part of Exact Sciences
Classification: Uncertain significance for MKKS-related condition. Last evaluated: 2025-03-12. Review status: criteria provided, single submitter. Criteria: ACMG Guidelines, 2015. Collection method: clinical testing. Allele origin: germline.
Comment: The MKKS c.638C>G variant is predicted to result in the amino acid substitution p.Thr213Ser. To our knowledge, this variant has not been reported in the literature. This variant is reported in 0.0080% of alleles in individuals of African descent in gnomAD. At this time, the clinical significance of this variant is uncertain due to the absence of conclusive functional and genetic evidence.

Labcorp Genetics (formerly Invitae), Labcorp
Classification: Uncertain significance for McKusick-Kaufman syndrome; Bardet-Biedl syndrome. Last evaluated: 2021-09-01. Review status: criteria provided, single submitter. Criteria: Invitae Variant Classification Sherloc (09022015). Collection method: clinical testing. Allele origin: germline.
Comment: This sequence change replaces threonine with serine at codon 213 of the MKKS protein (p.Thr213Ser). The threonine residue is moderately conserved and there is a small physicochemical difference between threonine and serine. This variant is present in population databases (rs780570415, ExAC 0.01%). This variant has not been reported in the literature in individuals affected with MKKS-related conditions. Algorithms developed to predict the effect of missense changes on protein structure and function (SIFT, PolyPhen-2, Align-GVGD) all suggest that this variant is likely to be tolerated. In summary, the available evidence is currently insufficient to determine the role of this variant in disease. Therefore, it has been classified as a Variant of Uncertain Significance.

NM_170784.3(MKKS):c.638C>G (p.Thr213Ser)

Gene: MKKS (MKKS centrosomal shuttling protein; minus strand). Cytogenetic location: 20p12.2.
Variant type: single nucleotide variant.
Coding change: c.638C>G on transcript NM_170784.3 (MANE Select); coding-DNA position 638, C replaced by G.
Protein change: p.Thr213Ser; replaces threonine 213 with serine.
Molecular consequence: missense variant.
Genome position (GRCh38, 1-based): chr20:10,412,877, G>C on the plus strand (C>G on the coding strand, the complement: MKKS is on the minus strand). VCF-style: chr20-10412877-G-C. GRCh37 (hg19) VCF-style: chr20-10393525-G-C.
Other names: c.638C>G, p.Thr213Ser (NM_018848.3); short protein forms T213S.
Identifiers: ClinVar variation 241286 (VCV000241286.7), dbSNP rs780570415, ClinGen allele CA9763651.
Genomic context (GRCh38, chr20:10,412,877, plus strand): 5'-ATAGGTAATAGCCTCATTAATTGAACTTCTGACATTTCAATGAGTATCCCAGGTAATACA[G>C]TGGAATCTATAACTCTTTGACCTTTTAAAGGTACAATTAAACTCTTTCCTAAAATGATGT-3'
Protein context (NP_740754.1, residues 203-223): PLKGQRVIDS[Thr213Ser]VLPGILIEMS